The following is an entry in ClinVar:

ClinVar aggregate classification (germline): Likely benign (1 of 4 stars; one submission).

Conditions:
PHIP-related disorder. Also called: PHIP-related disorders; PHIP-related condition.

Submission:

PreventionGenetics, part of Exact Sciences
Classification: Likely benign for PHIP-related condition. Last evaluated: 2025-02-20. Review status: criteria provided, single submitter. Criteria: ACMG Guidelines, 2015. Collection method: clinical testing. Allele origin: germline.
Comment: This variant is classified as likely benign based on ACMG/AMP sequence variant interpretation guidelines (Richards et al. 2015 PMID: 25741868, with internal and published modifications).

NM_017934.7(PHIP):c.3876G>A (p.Val1292=)

Genes: IRAK1BP1 (interleukin 1 receptor associated kinase 1 binding protein 1; plus strand), PHIP (PHIP subunit of CUL4-Ring ligase complex; minus strand). Cytogenetic location: 6q14.1.
Variant type: single nucleotide variant.
Coding change: c.3876G>A on transcript NM_017934.7 (MANE Select); coding-DNA position 3876, G replaced by A.
Protein change: p.Val1292=; no amino-acid change (valine 1292 retained).
Molecular consequence: synonymous variant.
Genome position (GRCh38, 1-based): chr6:78,955,259, C>T on the plus strand (G>A on the coding strand, the complement: PHIP is on the minus strand). VCF-style: chr6-78955259-C-T. GRCh37 (hg19) VCF-style: chr6-79664976-C-T.
Identifiers: ClinVar variation 5002093 (VCV005002093.1).
Genomic context (GRCh38, chr6:78,955,259, plus strand): 5'-AAAGTACTTCTGCTAAAACTAAAACTATATTACCTTCCTTTTTCGAGTAGAAGTTCCTGG[C>T]ACATCAGCATCTTTCTCTTCATCCTTTGAGGCAAGAATTTACCAGATTCATAAAACATTT-3'
Protein context (NP_060404.4, residues 1282-1302): DSEDEEKDAD[Val1292=]PGTSTRKRKD